The following is an entry in ClinVar:

ClinVar aggregate classification (germline): Uncertain significance (1 of 4 stars; one submission).

Allele frequency attached by ClinVar (database versions not stated): gnomAD 0.00001.
gnomAD v4.1: 1 of 1,613,044 alleles (0.000062%); no homozygotes.

Submission:

GeneDx
Classification: Uncertain significance. Last evaluated: 2022-06-29. Review status: criteria provided, single submitter. Criteria: GeneDx Variant Classification Process June 2021. Collection method: clinical testing. Allele origin: germline. Affected: yes.
Comment: Not observed at significant frequency in large population cohorts (gnomAD); In silico analysis supports that this missense variant does not alter protein structure/function; Has not been previously published as pathogenic or benign to our knowledge

NM_000393.5(COL5A2):c.986T>C (p.Met329Thr)

Gene: COL5A2 (collagen type V alpha 2 chain; minus strand). Cytogenetic location: 2q32.2.
Variant type: single nucleotide variant.
Coding change: c.986T>C on transcript NM_000393.5 (MANE Select); coding-DNA position 986, T replaced by C.
Protein change: p.Met329Thr; replaces methionine 329 with threonine.
Molecular consequence: missense variant.
Genome position (GRCh38, 1-based): chr2:189,079,082, A>G on the plus strand (T>C on the coding strand, the complement: COL5A2 is on the minus strand). VCF-style: chr2-189079082-A-G. GRCh37 (hg19) VCF-style: chr2-189943808-A-G.
Other names: short protein forms M329T.
Identifiers: ClinVar variation 1810060 (VCV001810060.1), dbSNP rs1686476471, ClinGen allele CA349856124.